The following is an entry in ClinVar:

NM_017617.5(NOTCH1):c.1506T>A (p.Asn502Lys)

Gene: NOTCH1 (notch receptor 1; minus strand). Cytogenetic location: 9q34.3.
Variant type: single nucleotide variant.
Coding change: c.1506T>A on transcript NM_017617.5 (MANE Select); coding-DNA position 1506, T replaced by A.
Protein change: p.Asn502Lys; replaces asparagine 502 with lysine.
Molecular consequence: missense variant.
Genome position (GRCh38, 1-based): chr9:136,517,321, A>T on the plus strand (T>A on the coding strand, the complement: NOTCH1 is on the minus strand). VCF-style: chr9-136517321-A-T. GRCh37 (hg19) VCF-style: chr9-139411773-A-T.
Other names: short protein forms N502K.
Identifiers: ClinVar variation 2633594 (VCV002633594.1), dbSNP rs2540459645, ClinGen allele CA375562296.

ClinVar aggregate classification (germline): Uncertain significance (1 of 4 stars; one submission).

Conditions:
NOTCH1-related disorder. Also called: NOTCH1-related disorders; NOTCH1-related condition.

Submission:

PreventionGenetics, part of Exact Sciences
Classification: Uncertain significance for NOTCH1-related condition. Last evaluated: 2023-03-24. Review status: criteria provided, single submitter. Criteria: ACMG Guidelines, 2015. Collection method: clinical testing. Allele origin: germline.
Comment: The NOTCH1 c.1506T>A variant is predicted to result in the amino acid substitution p.Asn502Lys. To our knowledge, this variant has not been reported in the literature or in a large population database, indicating this variant is rare. At this time, the clinical significance of this variant is uncertain due to the absence of conclusive functional and genetic evidence.